The following is an entry in ClinVar:

NM_001040142.2(SCN2A):c.4425C>G (p.Asn1475Lys)

Gene: SCN2A (sodium voltage-gated channel alpha subunit 2; plus strand). Cytogenetic location: 2q24.3.
Variant type: single nucleotide variant.
Coding change: c.4425C>G on transcript NM_001040142.2 (MANE Select); coding-DNA position 4425, C replaced by G.
Protein change: p.Asn1475Lys; replaces asparagine 1475 with lysine.
Molecular consequence: missense variant.
Genome position (GRCh38, 1-based): chr2:165,380,708, C>G. VCF-style: chr2-165380708-C-G. GRCh37 (hg19) VCF-style: chr2-166237218-C-G.
Other names: c.4425C>G, p.Asn1475Lys (NM_001040143.2, NM_001371246.1, NM_001371247.1 and 1 more transcripts); short protein forms N1475K.
Identifiers: ClinVar variation 1804532 (VCV001804532.6), dbSNP rs2468126666, ClinGen allele CA349034271.
Genomic context (GRCh38, chr2:165,380,708, plus strand): 5'-CTTTATTATTTTTGGTTCATTCTTTACCTTGAATCTTTTCATTGGTGTCATCATAGATAA[C>G]TTCAACCAACAGAAAAAGAAGATAAGTATATTAAAACTTCATCCTTGCTCTGAAATATGA-3'
Protein context (NP_001035232.1, residues 1465-1485): LNLFIGVIID[Asn1475Lys]FNQQKKKFGG

ClinVar aggregate classification (germline): Pathogenic. Review status: criteria provided, multiple submitters, no conflicts (2 of 4 stars). 2 submissions from 2 submitters: Pathogenic (2). Last evaluated 2022-10-18.

Conditions:
Developmental and epileptic encephalopathy, 11 (DEE11). Also called: Early infantile epileptic encephalopathy 11. Identifiers: Orphanet 1934, MedGen C3150987, MONDO:0013388, OMIM 613721.
Seizures, benign familial infantile, 3 (BFIS3). Also called: CONVULSIONS, BENIGN FAMILIAL INFANTILE, 3; Familial neonatal seizures. Identifiers: Orphanet 140927, Orphanet 306, MedGen C1843140, MONDO:0011904, OMIM 607745.

Submissions (2):

Labcorp Genetics (formerly Invitae), Labcorp
Classification: Pathogenic for Seizures, benign familial infantile, 3; Developmental and epileptic encephalopathy, 11. Last evaluated: 2022-10-18. Review status: criteria provided, single submitter. Criteria: Invitae Variant Classification Sherloc (09022015). Collection method: clinical testing. Allele origin: germline.
Comment: This variant is not present in population databases (gnomAD no frequency). This sequence change replaces asparagine, which is neutral and polar, with lysine, which is basic and polar, at codon 1475 of the SCN2A protein (p.Asn1475Lys). This missense change has been observed in individual(s) with early-onset epileptic encephalopathy. (PMID: 33779092). In at least one individual the variant was observed to be de novo. Advanced modeling of protein sequence and biophysical properties (such as structural, functional, and spatial information, amino acid conservation, physicochemical variation, residue mobility, and thermodynamic stability) performed at Invitae indicates that this missense variant is expected to disrupt SCN2A protein function. For these reasons, this variant has been classified as Pathogenic.

GeneDx
Classification: Pathogenic. Last evaluated: 2022-06-15. Review status: criteria provided, single submitter. Criteria: GeneDx Variant Classification Process June 2021. Collection method: clinical testing. Allele origin: germline. Affected: yes.
Comment: Missense variants in this gene are often considered pathogenic (HGMD); Not observed at significant frequency in large population cohorts (gnomAD); In silico analysis supports that this missense variant has a deleterious effect on protein structure/function; This variant is associated with the following publications: (PMID: 33779092)

Literature cited by the submitters: PubMed 33779092 (cited by Labcorp Genetics (formerly Invitae), Labcorp).